The following is an entry in ClinVar:

NM_001103.4(ACTN2):c.1910G>A (p.Arg637His)

Gene: ACTN2 (actinin alpha 2; plus strand). Cytogenetic location: 1q43.
Variant type: single nucleotide variant.
Coding change: c.1910G>A on transcript NM_001103.4 (MANE Select); coding-DNA position 1910, G replaced by A.
Protein change: p.Arg637His; replaces arginine 637 with histidine.
Molecular consequence: missense variant.
Genome position (GRCh38, 1-based): chr1:236,754,017, G>A. VCF-style: chr1-236754017-G-A. GRCh37 (hg19) VCF-style: chr1-236917317-G-A.
Other names: c.1910G>A, p.Arg637His (NM_001278343.2); c.1286G>A, p.Arg429His (NM_001278344.2); short protein forms R637H, R429H.
Identifiers: ClinVar variation 852581 (VCV000852581.13), dbSNP rs1259556889, ClinGen allele CA345386864.

ClinVar aggregate classification (germline): Conflicting classifications of pathogenicity. Review status: criteria provided, conflicting classifications (1 of 4 stars). 2 submissions from 2 submitters: Uncertain significance (1); Likely benign (1). Last evaluated 2025-07-30.

Conditions:
Cardiovascular phenotype. Identifiers: MedGen CN230736.
Dilated cardiomyopathy 1AA (CMD1AA). Also called: CARDIOMYOPATHY, DILATED, 1AA, WITH OR WITHOUT LEFT VENTRICULAR NONCOMPACTION; CARDIOMYOPATHY, FAMILIAL HYPERTROPHIC, 23, WITH OR WITHOUT LEFT VENTRICULAR NONCOMPACTION; Cardiomyopathy, dilated, 1AA, with or without LVNC. Identifiers: Orphanet 154, MedGen C2677338, MONDO:0012808, OMIM 612158.
Primary familial hypertrophic cardiomyopathy (HCM). Identifiers: Orphanet 99739, MedGen C0949658, MeSH D024741, MONDO:0024573. Inheritance: Various modes of inheritance.

Allele frequency attached by ClinVar (database versions not stated): gnomAD 0.00001; gnomAD exomes 0.00001; TOPMed 0.00003.
gnomAD v4.1: 15 of 1,614,028 alleles (0.00093%); highest among the groups gnomAD compares: Admixed American, 0.0033%; no homozygotes.

Submissions (2):

Labcorp Genetics (formerly Invitae), Labcorp
Classification: Likely benign for Primary familial hypertrophic cardiomyopathy; Dilated cardiomyopathy 1AA. Last evaluated: 2025-07-30. Review status: criteria provided, single submitter. Criteria: Invitae Variant Classification Sherloc (09022015). Collection method: clinical testing. Allele origin: germline.

Ambry Genetics
Classification: Uncertain significance for Cardiovascular phenotype. Last evaluated: 2023-05-07. Review status: criteria provided, single submitter. Criteria: Ambry Variant Classification Scheme 2023. Collection method: clinical testing. Allele origin: germline.
Comment: The p.R637H variant (also known as c.1910G>A), located in coding exon 16 of the ACTN2 gene, results from a G to A substitution at nucleotide position 1910. The arginine at codon 637 is replaced by histidine, an amino acid with highly similar properties. This amino acid position is highly conserved in available vertebrate species. In addition, the in silico prediction for this alteration is inconclusive. Since supporting evidence is limited at this time, the clinical significance of this alteration remains unclear.